The following is an entry in ClinVar:

NM_021930.6(RINT1):c.2024_2031dup (p.Leu678fs)

Genes: EFCAB10 (EF-hand calcium binding domain 10; minus strand), RINT1 (RAD50 interactor 1; plus strand). Cytogenetic location: 7q22.3.
Variant type: Duplication.
Coding change: c.2024_2031dup on transcript NM_021930.6 (MANE Select); coding-DNA positions 2024 to 2031, 8 bases duplicated (GGCAAATG; older notation c.2024_2031dupGGCAAATG).
Protein change: p.Leu678fs; shifts the reading frame from leucine 678.
Molecular consequence: frameshift variant. On other transcripts: 3 prime UTR variant (2), non-coding transcript variant (1).
Genome position (GRCh38, 1-based): chr7:105,565,414-105,565,421, GGCAAATG duplicated. VCF-style (leftmost placement, unchanged base first): chr7-105565413-T-TGGCAAATG. GRCh37 (hg19) VCF-style: chr7-105205860-T-TGGCAAATG.
Other names: c.*26_*33dup (NM_001355526.2); c.*128_*135dup (NM_001355530.2); c.386_393dup, p.Arg132fs (NM_001355531.2); c.1790_1797dup, p.Leu600fs (NM_001346599.2); c.1001_1008dup, p.Leu337fs (NM_001346600.2, NM_001346603.2); c.1100_1107dup, p.Leu370fs (NM_001346601.2); short protein forms R132fs, L337fs, L600fs, L678fs, L370fs.
Identifiers: ClinVar variation 1784617 (VCV001784617.2), dbSNP rs2485184534, ClinGen allele CA2580076119.

ClinVar aggregate classification (germline): Uncertain significance (1 of 4 stars; one submission).

Allele frequency attached by ClinVar (database versions not stated): gnomAD exomes below 0.00001.

Submission:

Ambry Genetics
Classification: Uncertain significance. Last evaluated: 2022-06-21. Review status: criteria provided, single submitter. Criteria: Ambry Variant Classification Scheme 2023. Collection method: clinical testing. Allele origin: germline.
Comment: The c.2024_2031dupGGCAAATG variant, located in coding exon 13 of the RINT1 gene, results from a duplication of GGCAAATG at nucleotide position 2024, causing a translational frameshift with a predicted alternate stop codon (p.L678Gfs*5). This alteration is expected to result in loss of function by premature protein truncation or nonsense-mediated mRNA decay. The evidence for this gene-disease relationship is limited; therefore, the clinical significance of this alteration is unclear.